The following is an entry in ClinVar:

ClinVar aggregate classification (germline): Uncertain significance (0 of 4 stars; one submission).

Conditions:
PKHD1-related disorder. Also called: PKHD1-related condition.

Submission:

PreventionGenetics, part of Exact Sciences
Classification: Uncertain significance for PKHD1-related condition. Last evaluated: 2024-08-31. Review status: no assertion criteria provided. Collection method: clinical testing. Allele origin: germline.
Comment: The PKHD1 c.5225C>T variant is predicted to result in the amino acid substitution p.Thr1742Met. This variant was reported in cis with another PKHD1 missense variant c.2795G>A (p.Cys932Tyr) in an individual with nephronophthisis which was likely caused by a heterozygous multi-exon deletion and a canonical spice variant in NPHP1. This variant is reported in 0.0033% of alleles in individuals of South Asian descent in gnomAD. At this time, the clinical significance of this variant is uncertain due to the absence of conclusive functional and genetic evidence.

NM_138694.4(PKHD1):c.5225C>T (p.Thr1742Met)

Genes: PKHD1 (PKHD1 ciliary IPT domain containing fibrocystin/polyductin; minus strand), LOC126859690 (MED14-independent group 3 enhancer GRCh37_chr6:51888848-51890047; plus strand). Cytogenetic location: 6p12.2.
Variant type: single nucleotide variant.
Coding change: c.5225C>T on transcript NM_138694.4 (MANE Select); coding-DNA position 5225, C replaced by T.
Protein change: p.Thr1742Met; replaces threonine 1742 with methionine.
Molecular consequence: missense variant.
Genome position (GRCh38, 1-based): chr6:52,024,585, G>A on the plus strand (C>T on the coding strand, the complement: PKHD1 is on the minus strand). VCF-style: chr6-52024585-G-A. GRCh37 (hg19) VCF-style: chr6-51889383-G-A.
Other names: c.5225C>T, p.Thr1742Met (NM_170724.3); short protein forms T1742M.
Identifiers: ClinVar variation 3358190 (VCV003358190.1).